The following is an entry in ClinVar:

ClinVar aggregate classification (germline): Uncertain significance (1 of 4 stars; one submission).

Conditions:
Fanconi anemia (FA). Also called: Fanconi's anemia. Identifiers: Orphanet 84, MedGen C0015625, MeSH D005199, MONDO:0019391.

Allele frequency attached by ClinVar (database versions not stated): TOPMed below 0.00001.

Submission:

Labcorp Genetics (formerly Invitae), Labcorp
Classification: Uncertain significance for Fanconi anemia. Last evaluated: 2023-01-05. Review status: criteria provided, single submitter. Criteria: Invitae Variant Classification Sherloc (09022015). Collection method: clinical testing. Allele origin: germline.
Comment: This variant is not present in population databases (gnomAD no frequency). In summary, the available evidence is currently insufficient to determine the role of this variant in disease. Therefore, it has been classified as a Variant of Uncertain Significance. Algorithms developed to predict the effect of missense changes on protein structure and function (SIFT, PolyPhen-2, Align-GVGD) all suggest that this variant is likely to be tolerated. This variant has not been reported in the literature in individuals affected with SLX4-related conditions. This sequence change replaces threonine, which is neutral and polar, with asparagine, which is neutral and polar, at codon 1166 of the SLX4 protein (p.Thr1166Asn).

NM_032444.4(SLX4):c.3497C>A (p.Thr1166Asn)

Gene: SLX4 (SLX4 structure-specific endonuclease subunit; minus strand). Cytogenetic location: 16p13.3.
Variant type: single nucleotide variant.
Coding change: c.3497C>A on transcript NM_032444.4 (MANE Select); coding-DNA position 3497, C replaced by A.
Protein change: p.Thr1166Asn; replaces threonine 1166 with asparagine.
Molecular consequence: missense variant.
Genome position (GRCh38, 1-based): chr16:3,590,141, G>T on the plus strand (C>A on the coding strand, the complement: SLX4 is on the minus strand). VCF-style: chr16-3590141-G-T. GRCh37 (hg19) VCF-style: chr16-3640142-G-T.
Other names: short protein forms T1166N.
Identifiers: ClinVar variation 2826383 (VCV002826383.3), dbSNP rs1331772260, ClinGen allele CA394520009.